The following is an entry in ClinVar:

ClinVar aggregate classification (germline): Uncertain significance (1 of 4 stars; one submission).

Conditions:
Epidermolysis bullosa simplex 3, localized or generalized intermediate, with BP230 deficiency (EBS3). Also called: Epidermolysis bullosa simplex, autosomal recessive 2; Epidermolysis bullosa simplex due to BP230 deficiency. Identifiers: Orphanet 412181, MedGen C3809470, MONDO:0014180, OMIM 615425.
Hereditary sensory and autonomic neuropathy type 6. Also called: Neuropathy, hereditary sensory and autonomic, type VI; HSAN VI. Identifiers: Orphanet 314381, MedGen C3539003, MONDO:0013839, OMIM 614653.

Allele frequency attached by ClinVar (database versions not stated): TOPMed below 0.00001; gnomAD 0.00001; gnomAD exomes 0.00001.
gnomAD v4.1: 9 of 1,613,612 alleles (0.00056%); highest among the groups gnomAD compares: Non-Finnish European, 0.00076%; no homozygotes.

Submission:

Labcorp Genetics (formerly Invitae), Labcorp
Classification: Uncertain significance for Epidermolysis bullosa simplex 3, localized or generalized intermediate, with BP230 deficiency; Hereditary sensory and autonomic neuropathy type 6. Last evaluated: 2021-02-16. Review status: criteria provided, single submitter. Criteria: Invitae Variant Classification Sherloc (09022015). Collection method: clinical testing. Allele origin: germline.
Comment: In summary, the available evidence is currently insufficient to determine the role of this variant in disease. Therefore, it has been classified as a Variant of Uncertain Significance. Algorithms developed to predict the effect of missense changes on protein structure and function are either unavailable or do not agree on the potential impact of this missense change (SIFT: "Tolerated"; PolyPhen-2: "Not Available"; Align-GVGD: "Class C0"). This variant has not been reported in the literature in individuals with DST-related conditions. This variant is not present in population databases (ExAC no frequency). This sequence change replaces asparagine with serine at codon 2214 of the DST protein (p.Asn2214Ser). The asparagine residue is moderately conserved and there is a small physicochemical difference between asparagine and serine. The DST gene has multiple clinically relevant transcripts. The p.Asn2214Ser variant occurs in alternate transcript NM_015548.4, which corresponds to c.*58068A>G in NM_001723.5, the primary transcript listed in the Methods.

NM_001374736.1(DST):c.14510A>G (p.Asn4837Ser)

Gene: DST (dystonin; minus strand). Cytogenetic location: 6p12.1.
Variant type: single nucleotide variant.
Coding change: c.14510A>G on transcript NM_001374736.1 (MANE Select); coding-DNA position 14510, A replaced by G.
Protein change: p.Asn4837Ser; replaces asparagine 4837 with serine.
Molecular consequence: missense variant.
Genome position (GRCh38, 1-based): chr6:56,557,449, T>C on the plus strand (A>G on the coding strand, the complement: DST is on the minus strand). VCF-style: chr6-56557449-T-C. GRCh37 (hg19) VCF-style: chr6-56422247-T-C.
Other names: c.8153A>G, p.Asn2718Ser (NM_001144769.5); c.7739A>G, p.Asn2580Ser (NM_001144770.2); c.14510A>G, p.Asn4837Ser (NM_001374722.1); c.13877A>G, p.Asn4626Ser (NM_001374729.1); c.7619A>G, p.Asn2540Ser (NM_001374730.1, NM_183380.4); c.14537A>G, p.Asn4846Ser (NM_001374734.1); c.6641A>G, p.Asn2214Ser (NM_015548.5); short protein forms N2214S, N2540S, N4626S, N4846S, N4837S, N2580S, N2718S.
Identifiers: ClinVar variation 970761 (VCV000970761.6), dbSNP rs1202507145, ClinGen allele CA364521300.